The following is an entry in ClinVar:

NM_003489.4(NRIP1):c.2408C>T (p.Ser803Leu)

Gene: NRIP1 (nuclear receptor interacting protein 1; minus strand). Cytogenetic location: 21q11.2.
Variant type: single nucleotide variant.
Coding change: c.2408C>T on transcript NM_003489.4 (MANE Select); coding-DNA position 2408, C replaced by T.
Protein change: p.Ser803Leu; replaces serine 803 with leucine.
Molecular consequence: missense variant.
Genome position (GRCh38, 1-based): chr21:14,965,785, G>A on the plus strand (C>T on the coding strand, the complement: NRIP1 is on the minus strand). VCF-style: chr21-14965785-G-A. GRCh37 (hg19) VCF-style: chr21-16338106-G-A.
Other names: short protein forms S803L.
Identifiers: ClinVar variation 1571119 (VCV001571119.33), dbSNP rs61750208, ClinGen allele CA9981147.

ClinVar aggregate classification (germline): Benign. Review status: criteria provided, multiple submitters, no conflicts (2 of 4 stars). 3 submissions from 3 submitters: Benign (3). Last evaluated 2026-01-13.

Allele frequency attached by ClinVar (database versions not stated): 1000 Genomes Project 0.00559; 1000 Genomes Project 30x 0.00609; TOPMed 0.01195; gnomAD 0.01481 and 0.01560; ESP Exome Variant Server 0.01484; gnomAD exomes 0.01532; ExAC 0.01541.
gnomAD v4.1: 31,480 of 1,613,952 alleles (2%); highest among the groups gnomAD compares: Non-Finnish European, 2.3%; 393 homozygotes.

Submissions (3):

Labcorp Genetics (formerly Invitae), Labcorp
Classification: Benign. Last evaluated: 2026-01-13. Review status: criteria provided, single submitter. Criteria: Invitae Variant Classification Sherloc (09022015). Collection method: clinical testing. Allele origin: germline.

CeGaT Center for Human Genetics Tuebingen
Classification: Benign. Last evaluated: 2025-07-01. Review status: criteria provided, single submitter. Criteria: CeGaT Center For Human Genetics Tuebingen Variant Classification Criteria Version 2. Collection method: clinical testing. Allele origin: germline. Affected: yes. Observed: 7 variant alleles.
Comment: NRIP1: BP4, BS1, BS2

Breakthrough Genomics
Classification: Benign. Review status: criteria provided, single submitter. Criteria: ACMG Guidelines, 2015. Collection method: not provided. Allele origin: germline. Inheritance: Autosomal dominant inheritance. Affected: yes.